The following is an entry in ClinVar:

NM_017780.4(CHD7):c.3379G>T (p.Glu1127Ter)

Gene: CHD7 (chromodomain helicase DNA binding protein 7; plus strand). Cytogenetic location: 8q12.2.
Variant type: single nucleotide variant.
Coding change: c.3379G>T on transcript NM_017780.4 (MANE Select); coding-DNA position 3379, G replaced by T.
Protein change: p.Glu1127Ter; replaces glutamic acid 1127 with a stop codon.
Molecular consequence: nonsense. On other transcripts: intron variant (1).
Genome position (GRCh38, 1-based): chr8:60,828,663, G>T. VCF-style: chr8-60828663-G-T. GRCh37 (hg19) VCF-style: chr8-61741222-G-T.
Other names: c.1717-33566G>T (NM_001316690.1); short protein forms E1127*.
Identifiers: ClinVar variation 573842 (VCV000573842.6), dbSNP rs1563636399, ClinGen allele CA371314110.

ClinVar aggregate classification (germline): Pathogenic (1 of 4 stars; one submission).

Conditions:
CHARGE syndrome (CHARGE). Also called: Hittner Hirsch Kreh syndrome; Coloboma, heart anomaly, choanal atresia, retardation, genital and ear anomalies; CHARGE association; Hall-Hittner syndrome; CHARGE ASSOCIATION--COLOBOMA, HEART ANOMALY, CHOANAL ATRESIA, RETARDATION, GENITAL AND EAR ANOMALIES. Identifiers: Orphanet 138, MedGen C0265354, MONDO:0008965.

Submission:

Labcorp Genetics (formerly Invitae), Labcorp
Classification: Pathogenic for CHARGE syndrome. Last evaluated: 2018-02-12. Review status: criteria provided, single submitter. Criteria: Invitae Variant Classification Sherloc (09022015). Collection method: clinical testing. Allele origin: germline.
Comment: Loss-of-function variants in CHD7 are known to be pathogenic (PMID: 22461308, 25077900). This variant has not been reported in the literature in individuals with CHD7-related disease. This variant is not present in population databases (ExAC no frequency). This sequence change creates a premature translational stop signal (p.Glu1127*) in the CHD7 gene. It is expected to result in an absent or disrupted protein product. For these reasons, this variant has been classified as Pathogenic.

Literature cited by the submitters: PubMed 22461308; PubMed 25077900.